The following is an entry in ClinVar:

NM_013382.7(POMT2):c.1036A>T (p.Lys346Ter)

Gene: POMT2 (protein O-mannosyltransferase 2; minus strand). Cytogenetic location: 14q24.3.
Variant type: single nucleotide variant.
Coding change: c.1036A>T on transcript NM_013382.7 (MANE Select); coding-DNA position 1036, A replaced by T.
Protein change: p.Lys346Ter; replaces lysine 346 with a stop codon.
Molecular consequence: nonsense.
Genome position (GRCh38, 1-based): chr14:77,296,244, T>A on the plus strand (A>T on the coding strand, the complement: POMT2 is on the minus strand). VCF-style: chr14-77296244-T-A. GRCh37 (hg19) VCF-style: chr14-77762587-T-A.
Other names: short protein forms K346*.
Identifiers: ClinVar variation 3754766 (VCV003754766.2).
Genomic context (GRCh38, chr14:77,296,244, plus strand): 5'-TGCCCTCGGGGTAGAGGTGCCTGTGGGAGTGCAGATAGCCGATGGCCATCCGGAGGTTCT[T>A]CACAGTGATCACAGAGCCGTAGGCCAGGTCTGGGAGGAAGGGAGACAGCAGAGGGGTGAG-3'

ClinVar aggregate classification (germline): Pathogenic (1 of 4 stars; one submission).

Conditions:
Muscular dystrophy-dystroglycanopathy (congenital with brain and eye anomalies), type A2. Also called: MUSCULAR DYSTROPHY-DYSTROGLYCANOPATHY (CONGENITAL WITH BRAIN AND EYE ANOMALIES), TYPE A, 2; WALKER-WARBURG SYNDROME OR MUSCLE-EYE-BRAIN DISEASE, POMT2-RELATED. Identifiers: Orphanet 588, Orphanet 899, MedGen C3150411, MONDO:0013154, OMIM 613150.
Autosomal recessive limb-girdle muscular dystrophy type 2N. Also called: MUSCULAR DYSTROPHY-DYSTROGLYCANOPATHY, LIMB-GIRDLE, POMT2-RELATED; Muscular dystrophy-dystroglycanopathy (limb-girdle), type C, 2. Identifiers: Orphanet 206559, MedGen C3150418, MONDO:0013162, OMIM 613158.
Muscular dystrophy-dystroglycanopathy (congenital with impaired intellectual development), type B, 2. Also called: MUSCULAR DYSTROPHY, CONGENITAL, POMT2-RELATED; Muscular dystrophy-dystroglycanopathy (congenital with intellectual disability), type B2. Identifiers: MedGen C3150416, MONDO:0013160, OMIM 613156.

gnomAD v4.1: 1 of 1,606,348 alleles (0.000062%); highest among the groups gnomAD compares: East Asian, 0.0022%; no homozygotes.

Submission:

Labcorp Genetics (formerly Invitae), Labcorp
Classification: Pathogenic for Muscular dystrophy-dystroglycanopathy (congenital with impaired intellectual development), type B, 2; Muscular dystrophy-dystroglycanopathy (congenital with brain and eye anomalies), type A2; Autosomal recessive limb-girdle muscular dystrophy type 2N. Last evaluated: 2024-02-17. Review status: criteria provided, single submitter. Criteria: Invitae Variant Classification Sherloc (09022015). Collection method: clinical testing. Allele origin: germline.
Comment: This sequence change creates a premature translational stop signal (p.Lys346*) in the POMT2 gene. It is expected to result in an absent or disrupted protein product. Loss-of-function variants in POMT2 are known to be pathogenic (PMID: 15894594). This variant is not present in population databases (gnomAD no frequency). This variant has not been reported in the literature in individuals affected with POMT2-related conditions. For these reasons, this variant has been classified as Pathogenic.

Literature cited by the submitters: PubMed 15894594.